The following is an entry in ClinVar:

ClinVar aggregate classification (germline): Likely pathogenic (1 of 4 stars; one submission).

Conditions:
Ellis-van Creveld syndrome (EVC). Also called: Chondroectodermal dysplasia; MESOECTODERMAL DYSPLASIA. Identifiers: Orphanet 289, MedGen C0013903, MONDO:0009162, OMIM 225500.

Submission:

Myriad Genetics, Inc.
Classification: Likely pathogenic for Ellis-van Creveld syndrome. Last evaluated: 2025-09-02. Review status: criteria provided, single submitter. Criteria: Myriad Autosomal Dominant, Autosomal Recessive and X-Linked Classification Criteria (2023). Collection method: clinical testing. Allele origin: unknown.
Comment: NM_153717.2(EVC):c.618-1G>T is a variant in a canonical splice site classified as likely pathogenic in the context of EVC-related Ellis-van Creveld syndrome. c.618-1G>T has been observed in a case with relevant disease (PMID: 23220543). Relevant functional assessments of this variant are not available in the literature. c.618-1G>T has not been observed in referenced population frequency databases. In summary, NM_153717.2(EVC):c.618-1G>T is a variant in a canonical splice site in a gene where loss of function is a known mechanism of disease, is predicted to disrupt protein function, and has been observed more frequently in cases with the relevant disease than in healthy populations. Please note: this variant was assessed in the context of healthy population screening.

Literature cited by the submitters: PubMed 23220543.

NM_153717.3(EVC):c.618-1G>T

Gene: EVC (EvC ciliary complex subunit 1; plus strand). Cytogenetic location: 4p16.2.
Variant type: single nucleotide variant.
Coding change: c.618-1G>T on transcript NM_153717.3 (MANE Select); the canonical splice acceptor site of the intron before coding-DNA position 618, G replaced by T.
Molecular consequence: splice acceptor variant.
Genome position (GRCh38, 1-based): chr4:5,733,350, G>T. VCF-style: chr4-5733350-G-T. GRCh37 (hg19) VCF-style: chr4-5735077-G-T.
Other names: c.618-1G>T (NM_001306090.2, NM_001306092.2).
Identifiers: ClinVar variation 5003274 (VCV005003274.1).
Genomic context (GRCh38, chr4:5,733,350, plus strand): 5'-ATTCTTACTCTTCATTTCCGATACCCTGAAAGTCTTTTCCGCTTCTCATTTTATTTTGCA[G>T]TGTAGACGTTGACCTGTGTATCTACAGCCTTCACTTAAAAGACCTGCTGCATTTGGACAC-3'